The following is an entry in ClinVar:

ClinVar aggregate classification (germline): Uncertain significance (1 of 4 stars; one submission).

Conditions:
Hereditary cancer-predisposing syndrome. Also called: Neoplastic Syndromes, Hereditary; Tumor predisposition; Hereditary Cancer Syndrome; Hereditary neoplastic syndrome. Identifiers: Orphanet 140162, MedGen C0027672, MeSH D009386, MONDO:0015356.

Submission:

Ambry Genetics
Classification: Uncertain significance for Hereditary cancer-predisposing syndrome. Last evaluated: 2025-10-07. Review status: criteria provided, single submitter. Criteria: Ambry Variant Classification Scheme 2023. Collection method: clinical testing. Allele origin: germline.
Comment: The p.M138K variant (also known as c.413T>A), located in coding exon 4 of the MITF gene, results from a T to A substitution at nucleotide position 413. The methionine at codon 138 is replaced by lysine, an amino acid with similar properties. This amino acid position is conserved. In addition, the in silico prediction for this alteration is inconclusive. Based on the available evidence, the clinical significance of this variant remains unclear.

NM_001354604.2(MITF):c.734T>A (p.Met245Lys)

Gene: MITF (melanocyte inducing transcription factor; plus strand). Cytogenetic location: 3p13.
Variant type: single nucleotide variant.
Coding change: c.734T>A on transcript NM_001354604.2 (MANE Select); coding-DNA position 734, T replaced by A.
Protein change: p.Met245Lys; replaces methionine 245 with lysine.
Molecular consequence: missense variant.
Genome position (GRCh38, 1-based): chr3:69,941,303, T>A. VCF-style: chr3-69941303-T-A. GRCh37 (hg19) VCF-style: chr3-69990454-T-A.
Other names: c.413T>A, p.Met138Lys (NM_000248.4, NM_198158.3); c.578T>A, p.Met193Lys (NM_001184967.2, NM_001354608.2); c.731T>A, p.Met244Lys (NM_001354605.2, NM_001354606.2, NM_006722.3); c.683T>A, p.Met228Lys (NM_001354607.2); c.734T>A, p.Met245Lys (NM_198159.3); c.686T>A, p.Met229Lys (NM_198177.3); c.245T>A, p.Met82Lys (NM_198178.3); short protein forms M228K, M193K, M244K, M245K, M82K, M138K, M229K.
Identifiers: ClinVar variation 4648618 (VCV004648618.1).